The following is an entry in ClinVar:

NM_001375808.2(LPIN2):c.131A>G (p.Gln44Arg)

Gene: LPIN2 (lipin 2; minus strand). Cytogenetic location: 18p11.31.
Variant type: single nucleotide variant.
Coding change: c.131A>G on transcript NM_001375808.2 (MANE Select); coding-DNA position 131, A replaced by G.
Protein change: p.Gln44Arg; replaces glutamine 44 with arginine.
Molecular consequence: missense variant.
Genome position (GRCh38, 1-based): chr18:2,960,710, T>C on the plus strand (A>G on the coding strand, the complement: LPIN2 is on the minus strand). VCF-style: chr18-2960710-T-C. GRCh37 (hg19) VCF-style: chr18-2960708-T-C.
Other names: c.131A>G, p.Gln44Arg (NM_001375809.1, NM_014646.2); short protein forms Q44R.
Identifiers: ClinVar variation 856167 (VCV000856167.31), dbSNP rs747502342, ClinGen allele CA8873640.
Genomic context (GRCh38, chr18:2,960,710, plus strand): 5'-ACTTTCTCTTTGGATCTCAGGACTCCCAGCTTTCCAAACCGAACGTGAAAAGGTGAACAC[T>C]GATAGCTGCCATCCTGCTGCTGTACCACGATGACATCAATGCACCCAGAGAGGGTGGCCT-3'
Protein context (NP_001362737.1, residues 34-54): IVVQQQDGSY[Gln44Arg]CSPFHVRFGK

ClinVar aggregate classification (germline): Uncertain significance. Review status: criteria provided, multiple submitters, no conflicts (2 of 4 stars). 3 submissions from 3 submitters: Uncertain significance (3). Last evaluated 2025-02-10.

Conditions:
Inborn genetic diseases. Identifiers: MedGen C0950123, MeSH D030342.
Majeed syndrome (MJDS). Also called: CHRONIC RECURRENT MULTIFOCAL OSTEOMYELITIS 1, WITH CONGENITAL DYSERYTHROPOIETIC ANEMIA, WITH OR WITHOUT NEUTROPHILIC DERMATOSIS; LPIN2-Related Majeed Syndrome. Identifiers: Orphanet 77297, MedGen C1864997, MONDO:0012316, OMIM 609628.

Allele frequency attached by ClinVar (database versions not stated): gnomAD exomes 0.00001; ExAC 0.00002.
gnomAD v4.1: 6 of 1,614,072 alleles (0.00037%); highest among the groups gnomAD compares: Non-Finnish European, 0.00051%; no homozygotes.

Submissions (3):

Labcorp Genetics (formerly Invitae), Labcorp
Classification: Uncertain significance for Majeed syndrome. Last evaluated: 2025-02-10. Review status: criteria provided, single submitter. Criteria: Invitae Variant Classification Sherloc (09022015). Collection method: clinical testing. Allele origin: germline.
Comment: This sequence change replaces glutamine, which is neutral and polar, with arginine, which is basic and polar, at codon 44 of the LPIN2 protein (p.Gln44Arg). This variant is present in population databases (rs747502342, gnomAD 0.002%). This variant has not been reported in the literature in individuals affected with LPIN2-related conditions. ClinVar contains an entry for this variant (Variation ID: 856167). Invitae Evidence Modeling of protein sequence and biophysical properties (such as structural, functional, and spatial information, amino acid conservation, physicochemical variation, residue mobility, and thermodynamic stability) indicates that this missense variant is not expected to disrupt LPIN2 protein function with a negative predictive value of 80%. In summary, the available evidence is currently insufficient to determine the role of this variant in disease. Therefore, it has been classified as a Variant of Uncertain Significance.

Ambry Genetics
Classification: Uncertain significance for Inborn genetic diseases. Last evaluated: 2025-02-05. Review status: criteria provided, single submitter. Criteria: Ambry Variant Classification Scheme 2023. Collection method: clinical testing. Allele origin: germline.

CeGaT Center for Human Genetics Tuebingen
Classification: Uncertain significance. Last evaluated: 2024-02-01. Review status: criteria provided, single submitter. Criteria: CeGaT Center For Human Genetics Tuebingen Variant Classification Criteria Version 2. Collection method: clinical testing. Allele origin: germline. Affected: yes. Observed: 1 variant allele.
Comment: LPIN2: PM2